The following is an entry in ClinVar:

NM_003036.4(SKI):c.776T>G (p.Phe259Cys)

Gene: SKI (SKI proto-oncogene; plus strand). Cytogenetic location: 1p36.33.
Variant type: single nucleotide variant.
Coding change: c.776T>G on transcript NM_003036.4 (MANE Select); coding-DNA position 776, T replaced by G.
Protein change: p.Phe259Cys; replaces phenylalanine 259 with cysteine.
Molecular consequence: missense variant.
Genome position (GRCh38, 1-based): chr1:2,229,542, T>G. VCF-style: chr1-2229542-T-G. GRCh37 (hg19) VCF-style: chr1-2160981-T-G.
Other names: short protein forms F259C.
Identifiers: ClinVar variation 4083124 (VCV004083124.1).

ClinVar aggregate classification (germline): Uncertain significance (1 of 4 stars; one submission).

Submission:

GeneDx
Classification: Uncertain significance. Last evaluated: 2025-03-10. Review status: criteria provided, single submitter. Criteria: GeneDx Variant Classification Process June 2021. Collection method: clinical testing. Allele origin: germline. Affected: yes.
Comment: Not observed at significant frequency in large population cohorts (gnomAD); In silico analysis supports that this missense variant has a deleterious effect on protein structure/function; Has not been previously published as pathogenic or benign to our knowledge